The following is an entry in ClinVar:

ClinVar aggregate classification (germline): Uncertain significance. Review status: criteria provided, multiple submitters, no conflicts (2 of 4 stars). 3 submissions from 3 submitters: Uncertain significance (3). Last evaluated 2025-04-09.

Allele frequency attached by ClinVar (database versions not stated): gnomAD exomes 0.00023; ExAC 0.00020; gnomAD 0.00025; ESP Exome Variant Server 0.00031; TOPMed 0.00020.
gnomAD v4.1: 368 of 1,611,522 alleles (0.023%); highest among the groups gnomAD compares: Non-Finnish European, 0.029%; no homozygotes.

Submissions (3):

Ambry Genetics
Classification: Uncertain significance. Last evaluated: 2025-04-09. Review status: criteria provided, single submitter. Criteria: Ambry Variant Classification Scheme 2023. Collection method: clinical testing. Allele origin: germline.

Labcorp Genetics (formerly Invitae), Labcorp
Classification: Uncertain significance. Last evaluated: 2024-01-19. Review status: criteria provided, single submitter. Criteria: Invitae Variant Classification Sherloc (09022015). Collection method: clinical testing. Allele origin: germline.
Comment: This sequence change replaces leucine, which is neutral and non-polar, with methionine, which is neutral and non-polar, at codon 638 of the TRAP1 protein (p.Leu638Met). This variant is present in population databases (rs147600197, gnomAD 0.03%). This variant has not been reported in the literature in individuals affected with TRAP1-related conditions. ClinVar contains an entry for this variant (Variation ID: 2067106). Advanced modeling of protein sequence and biophysical properties (such as structural, functional, and spatial information, amino acid conservation, physicochemical variation, residue mobility, and thermodynamic stability) performed at Invitae indicates that this missense variant is not expected to disrupt TRAP1 protein function with a negative predictive value of 80%. In summary, the available evidence is currently insufficient to determine the role of this variant in disease. Therefore, it has been classified as a Variant of Uncertain Significance.

Breakthrough Genomics
Classification: Uncertain significance. Review status: criteria provided, single submitter. Criteria: ACMG Guidelines, 2015. Collection method: not provided. Allele origin: germline. Inheritance: Autosomal dominant inheritance. Affected: yes.

NM_016292.3(TRAP1):c.1912C>A (p.Leu638Met)

Genes: DNASE1 (deoxyribonuclease 1; plus strand), TRAP1 (TNF receptor associated protein 1; minus strand). Cytogenetic location: 16p13.3.
Variant type: single nucleotide variant.
Coding change: c.1912C>A on transcript NM_016292.3 (MANE Select); coding-DNA position 1912, C replaced by A.
Protein change: p.Leu638Met; replaces leucine 638 with methionine.
Molecular consequence: missense variant. On other transcripts: intron variant (1).
Genome position (GRCh38, 1-based): chr16:3,662,015, G>T on the plus strand (C>A on the coding strand, the complement: TRAP1 is on the minus strand). VCF-style: chr16-3662015-G-T. GRCh37 (hg19) VCF-style: chr16-3712016-G-T.
Other names: c.1753C>A, p.Leu585Met (NM_001272049.2); c.*22-631G>T (NM_001387140.1); short protein forms L638M, L585M.
Identifiers: ClinVar variation 2067106 (VCV002067106.6), dbSNP rs147600197, ClinGen allele CA7867769.